The following is an entry in ClinVar:

ClinVar aggregate classification (germline): Pathogenic/Likely pathogenic. Review status: criteria provided, multiple submitters, no conflicts (2 of 4 stars). 2 submissions from 2 submitters: Pathogenic (1); Likely pathogenic (1). Last evaluated 2023-06-06.

Conditions:
Peroxisome biogenesis disorder 3A (Zellweger). Also called: Peroxisome biogenesis disorder 3A; PEROXISOMAL BIOGENESIS DISORDER 3A (ZELLWEGER). Identifiers: Orphanet 912, MedGen C3553929, MONDO:0013927, OMIM 614859.

Submissions (2):

Labcorp Genetics (formerly Invitae), Labcorp
Classification: Pathogenic for Peroxisome biogenesis disorder 3A (Zellweger). Last evaluated: 2023-06-06. Review status: criteria provided, single submitter. Criteria: Invitae Variant Classification Sherloc (09022015). Collection method: clinical testing. Allele origin: germline.
Comment: For these reasons, this variant has been classified as Pathogenic. This variant disrupts a region of the PEX12 protein in which other variant(s) (p.Gln337*) have been determined to be pathogenic (Invitae). This suggests that this is a clinically significant region of the protein, and that variants that disrupt it are likely to be disease-causing. This variant has not been reported in the literature in individuals affected with PEX12-related conditions. This variant is not present in population databases (gnomAD no frequency). This sequence change creates a premature translational stop signal (p.Phe324Leufs*29) in the PEX12 gene. While this is not anticipated to result in nonsense mediated decay, it is expected to disrupt the last 36 amino acid(s) of the PEX12 protein.

Baylor Genetics
Classification: Likely pathogenic for Peroxisome biogenesis disorder 3A (Zellweger). Last evaluated: 2023-03-06. Review status: criteria provided, single submitter. Criteria: ACMG Guidelines, 2015. Collection method: clinical testing. Allele origin: unknown.

NM_000286.3(PEX12):c.969_970del (p.Phe324fs)

Gene: PEX12 (peroxisomal biogenesis factor 12; minus strand). Cytogenetic location: 17q12.
Variant type: Microsatellite.
Coding change: c.969_970del on transcript NM_000286.3 (MANE Select); coding-DNA positions 969 to 970, 2 bases deleted (GT; older notation c.969_970delGT).
Protein change: p.Phe324fs; shifts the reading frame from phenylalanine 324.
Molecular consequence: frameshift variant.
Genome position (GRCh38, 1-based): chr17:35,575,892-35,575,893, AC deleted on the plus strand (GT on the coding strand, the reverse complement: PEX12 is on the minus strand); deleting any 2 consecutive bases within chr17:35,575,892-35,575,896 gives the same sequence; the c. name uses the placement nearest the transcript's 3' end. VCF-style (leftmost placement, unchanged base first): chr17-35575891-AAC-A. GRCh37 (hg19) VCF-style: chr17-33902910-AAC-A.
Other names: short protein forms F324fs.
Identifiers: ClinVar variation 1069399 (VCV001069399.8), dbSNP rs2072781707, ClinGen allele CA2257586382.